The following is an entry in ClinVar:

NM_006348.5(COG5):c.184G>A (p.Ala62Thr)

Gene: COG5 (component of oligomeric golgi complex 5; minus strand). Cytogenetic location: 7q22.3.
Variant type: single nucleotide variant.
Coding change: c.184G>A on transcript NM_006348.5 (MANE Select); coding-DNA position 184, G replaced by A.
Protein change: p.Ala62Thr; replaces alanine 62 with threonine.
Molecular consequence: missense variant.
Genome position (GRCh38, 1-based): chr7:107,558,026, C>T on the plus strand (G>A on the coding strand, the complement: COG5 is on the minus strand). VCF-style: chr7-107558026-C-T. GRCh37 (hg19) VCF-style: chr7-107198471-C-T.
Other names: c.184G>A, p.Ala62Thr (NM_001161520.2, NM_001379511.1, NM_001379512.1 and 5 more transcripts); short protein forms A93T, A62T.
Identifiers: ClinVar variation 647107 (VCV000647107.8), dbSNP rs375537266, ClinGen allele CA4431515.

ClinVar aggregate classification (germline): Uncertain significance. Review status: criteria provided, multiple submitters, no conflicts (2 of 4 stars). 2 submissions from 2 submitters: Uncertain significance (2). Last evaluated 2024-12-10.

Conditions:
Inborn genetic diseases. Identifiers: MedGen C0950123, MeSH D030342.
COG5-congenital disorder of glycosylation. Also called: COG5-CDG; CDG IIi; CONGENITAL DISORDER OF GLYCOSYLATION, TYPE IIi. Identifiers: Orphanet 263487, MedGen C3150876, MONDO:0013325, OMIM 613612.

Allele frequency attached by ClinVar (database versions not stated): gnomAD exomes below 0.00001 and 0.00002; ExAC 0.00001; gnomAD 0.00001 and 0.00003; TOPMed 0.00003; ESP Exome Variant Server 0.00008.
gnomAD v4.1: 26 of 1,613,892 alleles (0.0016%); highest among the groups gnomAD compares: Non-Finnish European, 0.0022%; no homozygotes.

Submissions (2):

Ambry Genetics
Classification: Uncertain significance for Inborn genetic diseases. Last evaluated: 2024-12-10. Review status: criteria provided, single submitter. Criteria: Ambry Variant Classification Scheme 2023. Collection method: clinical testing. Allele origin: germline.

Labcorp Genetics (formerly Invitae), Labcorp
Classification: Uncertain significance for COG5-congenital disorder of glycosylation. Last evaluated: 2018-10-19. Review status: criteria provided, single submitter. Criteria: Invitae Variant Classification Sherloc (09022015). Collection method: clinical testing. Allele origin: germline.
Comment: In summary, the available evidence is currently insufficient to determine the role of this variant in disease. Therefore, it has been classified as a Variant of Uncertain Significance. Algorithms developed to predict the effect of missense changes on protein structure and function are either unavailable or do not agree on the potential impact of this missense change (SIFT: "Tolerated"; PolyPhen-2: "Possibly Damaging"; Align-GVGD: "Class C0"). This sequence change replaces alanine with threonine at codon 93 of the COG5 protein (p.Ala93Thr). The alanine residue is moderately conserved and there is a small physicochemical difference between alanine and threonine. This variant is present in population databases (rs375537266, ExAC 0.002%). This variant has not been reported in the literature in individuals with COG5-related disease.